The following is an entry in ClinVar:

NM_153033.5(KCTD7):c.139C>T (p.Gln47Ter)

Genes: KCTD7 (potassium channel tetramerization domain containing 7; plus strand), LOC129998533 (ATAC-STARR-seq lymphoblastoid silent region 18210; plus strand). Cytogenetic location: 7q11.21.
Variant type: single nucleotide variant.
Coding change: c.139C>T on transcript NM_153033.5 (MANE Select); coding-DNA position 139, C replaced by T.
Protein change: p.Gln47Ter; replaces glutamine 47 with a stop codon.
Molecular consequence: nonsense.
Genome position (GRCh38, 1-based): chr7:66,629,203, C>T. VCF-style: chr7-66629203-C-T. GRCh37 (hg19) VCF-style: chr7-66094190-C-T.
Other names: c.139C>T, p.Gln47Ter (NM_001167961.2); short protein forms Q47*.
Identifiers: ClinVar variation 1452460 (VCV001452460.6), dbSNP rs2116755694, ClinGen allele CA367695405.

ClinVar aggregate classification (germline): Pathogenic (1 of 4 stars; one submission).

Conditions:
Progressive myoclonic epilepsy type 3. Also called: EPILEPSY, PROGRESSIVE MYOCLONIC, 3, WITHOUT INTRACELLULAR INCLUSIONS; KCTD7-Related Progressive Myoclonic Epilepsy; EPILEPSY, PROGRESSIVE MYOCLONIC, 3, WITH OR WITHOUT INTRACELLULAR INCLUSIONS; CEROID LIPOFUSCINOSIS, NEURONAL, 14. Identifiers: Orphanet 263516, MedGen C2673257, MONDO:0012721, OMIM 611726.

Submission:

Labcorp Genetics (formerly Invitae), Labcorp
Classification: Pathogenic for Progressive myoclonic epilepsy type 3. Last evaluated: 2024-09-23. Review status: criteria provided, single submitter. Criteria: Invitae Variant Classification Sherloc (09022015). Collection method: clinical testing. Allele origin: germline.
Comment: This sequence change creates a premature translational stop signal (p.Gln47*) in the KCTD7 gene. It is expected to result in an absent or disrupted protein product. Loss-of-function variants in KCTD7 are known to be pathogenic (PMID: 22693283). This variant is not present in population databases (gnomAD no frequency). This variant has not been reported in the literature in individuals affected with KCTD7-related conditions. ClinVar contains an entry for this variant (Variation ID: 1452460). For these reasons, this variant has been classified as Pathogenic.

Literature cited by the submitters: PubMed 22693283.